The following is an entry in ClinVar:

NM_000051.4(ATM):c.7928-6A>T

Genes: C11orf65 (chromosome 11 open reading frame 65; minus strand), ATM (ATM serine/threonine kinase; plus strand). Cytogenetic location: 11q22.3.
Variant type: single nucleotide variant.
Coding change: c.7928-6A>T on transcript NM_000051.4 (MANE Select); 6 bases into the intron before coding-DNA position 7928, A replaced by T.
Molecular consequence: intron variant.
Genome position (GRCh38, 1-based): chr11:108,333,880, A>T. VCF-style: chr11-108333880-A-T. GRCh37 (hg19) VCF-style: chr11-108204607-A-T.
Other names: c.7928-6A>T (NM_001351834.2); c.641-24809T>A (NM_001330368.2); c.*38+1340T>A (NM_001351110.2).
Identifiers: ClinVar variation 389101 (VCV000389101.10), dbSNP rs373509918, ClinGen allele CA6266227.

ClinVar aggregate classification (germline): Likely benign. Review status: criteria provided, multiple submitters, no conflicts (2 of 4 stars). 4 submissions from 4 submitters: Likely benign (4). Last evaluated 2025-11-24.

Conditions:
Hereditary cancer-predisposing syndrome. Also called: Neoplastic Syndromes, Hereditary; Hereditary Cancer Syndrome; Tumor predisposition; Hereditary neoplastic syndrome. Identifiers: Orphanet 140162, MedGen C0027672, MeSH D009386, MONDO:0015356.
Familial cancer of breast. Also called: Hereditary breast cancer; BREAST CANCER, FAMILIAL; hereditary breast carcinoma. Identifiers: Orphanet 227535, MedGen C0346153, MONDO:0016419, OMIM 114480. Disease mechanism: loss of function.
Ataxia-telangiectasia syndrome (AT). Also called: LOUIS-BAR SYNDROME; Cerebello-oculocutaneous telangiectasia; Immunodeficiency with ataxia telangiectasia; Ataxia-telangiectasia, complementation group D; AT, COMPLEMENTATION GROUP C; Ataxia-telangiectasia, complementation group E. Identifiers: Orphanet 100, MedGen C0004135, MONDO:0008840, OMIM 208900.

Allele frequency attached by ClinVar (database versions not stated): gnomAD 0.00001; TOPMed 0.00001; ESP Exome Variant Server 0.00008; gnomAD exomes below 0.00001; ExAC 0.00001.
gnomAD v4.1: 1 of 1,596,706 alleles (0.000063%); highest among the groups gnomAD compares: African/African-American, 0.0013%; no homozygotes.

Submissions (4):

Labcorp Genetics (formerly Invitae), Labcorp
Classification: Likely benign for Ataxia-telangiectasia syndrome. Last evaluated: 2025-11-24. Review status: criteria provided, single submitter. Criteria: Invitae Variant Classification Sherloc (09022015). Collection method: clinical testing. Allele origin: germline.

Myriad Genetics, Inc.
Classification: Likely benign for Familial cancer of breast. Last evaluated: 2024-06-17. Review status: criteria provided, single submitter. Criteria: Myriad Autosomal Dominant, Autosomal Recessive and X-Linked Classification Criteria (2023). Collection method: clinical testing. Allele origin: unknown.
Comment: This variant is considered likely benign. This variant is intronic and is not expected to impact mRNA splicing.

Color Diagnostics, LLC DBA Color Health
Classification: Likely benign for Hereditary cancer-predisposing syndrome. Last evaluated: 2024-06-14. Review status: criteria provided, single submitter. Criteria: ACMG Guidelines, 2015. Collection method: clinical testing. Allele origin: germline.

GeneDx
Classification: Likely benign. Last evaluated: 2016-09-06. Review status: criteria provided, single submitter. Criteria: GeneDx Variant Classification (06012015). Collection method: clinical testing. Allele origin: germline. Affected: yes.
Comment: This variant is considered likely benign or benign based on one or more of the following criteria: it is a conservative change, it occurs at a poorly conserved position in the protein, it is predicted to be benign by multiple in silico algorithms, and/or has population frequency not consistent with disease.